The following is an entry in ClinVar:

ClinVar aggregate classification (germline): Uncertain significance (1 of 4 stars; one submission).

Allele frequency attached by ClinVar (database versions not stated): gnomAD 0.00001; ExAC 0.00003; gnomAD exomes 0.00003; TOPMed 0.00003.
gnomAD v4.1: 18 of 1,612,712 alleles (0.0011%); highest among the groups gnomAD compares: Non-Finnish European, 0.0014%; no homozygotes.

Submission:

Labcorp Genetics (formerly Invitae), Labcorp
Classification: Uncertain significance. Last evaluated: 2025-09-02. Review status: criteria provided, single submitter. Criteria: Invitae Variant Classification Sherloc (09022015). Collection method: clinical testing. Allele origin: germline.
Comment: This sequence change replaces methionine, which is neutral and non-polar, with isoleucine, which is neutral and non-polar, at codon 654 of the TCF3 protein (p.Met654Ile). This variant is present in population databases (rs201935069, gnomAD 0.006%). This variant has not been reported in the literature in individuals affected with TCF3-related conditions. ClinVar contains an entry for this variant (Variation ID: 1423705). Invitae Evidence Modeling of protein sequence and biophysical properties (such as structural, functional, and spatial information, amino acid conservation, physicochemical variation, residue mobility, and thermodynamic stability) indicates that this missense variant is not expected to disrupt TCF3 protein function with a negative predictive value of 80%. In summary, the available evidence is currently insufficient to determine the role of this variant in disease. Therefore, it has been classified as a Variant of Uncertain Significance.

NM_003200.5(TCF3):c.1962G>A (p.Met654Ile)

Gene: TCF3 (transcription factor 3; minus strand). Cytogenetic location: 19p13.3.
Variant type: single nucleotide variant.
Coding change: c.1962G>A on transcript NM_003200.5 (MANE Select); coding-DNA position 1962, G replaced by A.
Protein change: p.Met654Ile; replaces methionine 654 with isoleucine.
Molecular consequence: missense variant.
Genome position (GRCh38, 1-based): chr19:1,611,710, C>T on the plus strand (G>A on the coding strand, the complement: TCF3 is on the minus strand). VCF-style: chr19-1611710-C-T. GRCh37 (hg19) VCF-style: chr19-1611709-C-T.
Other names: c.1953G>A, p.Met651Ile (NM_001136139.4, NM_001351779.2); c.1959G>A, p.Met653Ile (NM_001351778.2); short protein forms M653I, M651I, M654I.
Identifiers: ClinVar variation 1423705 (VCV001423705.6), dbSNP rs201935069, ClinGen allele CA9049489.